The following is an entry in ClinVar:

NM_004360.5(CDH1):c.2164+15C>T

Gene: CDH1 (cadherin 1; plus strand). Cytogenetic location: 16q22.1.
Variant type: single nucleotide variant.
Coding change: c.2164+15C>T on transcript NM_004360.5 (MANE Select); 15 bases into the intron after coding-DNA position 2164, C replaced by T.
Molecular consequence: intron variant.
Genome position (GRCh38, 1-based): chr16:68,823,641, C>T. VCF-style: chr16-68823641-C-T. GRCh37 (hg19) VCF-style: chr16-68857544-C-T.
Other names: c.616+15C>T (NM_001317185.2); c.199+15C>T (NM_001317186.2); c.1981+15C>T (NM_001317184.2); c.2164+15C>T (NM_004360.3).
Identifiers: ClinVar variation 1351312 (VCV001351312.10), dbSNP rs777904889, ClinGen allele CA8130207.

ClinVar aggregate classification (germline): Uncertain significance. Review status: criteria provided, multiple submitters, no conflicts (2 of 4 stars). 2 submissions from 2 submitters: Uncertain significance (2). Last evaluated 2024-07-15.

Conditions:
Hereditary diffuse gastric adenocarcinoma (HDGC). Also called: DIFFUSE GASTRIC AND LOBULAR BREAST CANCER SYNDROME. Identifiers: Orphanet 26106, MedGen C1708349, MONDO:0007648, OMIM 137215.
Hereditary cancer-predisposing syndrome. Also called: Hereditary Cancer Syndrome; Neoplastic Syndromes, Hereditary; Tumor predisposition; Hereditary neoplastic syndrome. Identifiers: Orphanet 140162, MedGen C0027672, MeSH D009386, MONDO:0015356.

Allele frequency attached by ClinVar (database versions not stated): gnomAD exomes below 0.00001; ExAC 0.00001.
gnomAD v4.1: 9 of 1,544,216 alleles (0.00058%); highest among the groups gnomAD compares: Non-Finnish European, 0.0008%; no homozygotes.

Submissions (2):

Ambry Genetics
Classification: Uncertain significance for Hereditary cancer-predisposing syndrome. Last evaluated: 2024-07-15. Review status: criteria provided, single submitter. Criteria: Ambry Variant Classification Scheme 2023. Collection method: clinical testing. Allele origin: germline.
Comment: The c.2164+15C>T intronic variant results from a C to T substitution 15 nucleotides after coding exon 13 in the CDH1 gene. This nucleotide position is not well conserved in available vertebrate species. In silico splice site analysis predicts that this alteration will result in the creation or strengthening of a novel splice donor site; however, direct evidence is insufficient at this time (Ambry internal data). Based on the available evidence, the clinical significance of this variant remains unclear.

Labcorp Genetics (formerly Invitae), Labcorp
Classification: Uncertain significance for Hereditary diffuse gastric adenocarcinoma. Last evaluated: 2021-05-04. Review status: criteria provided, single submitter. Criteria: Invitae Variant Classification Sherloc (09022015). Collection method: clinical testing. Allele origin: germline.
Comment: In summary, the available evidence is currently insufficient to determine the role of this variant in disease. Therefore, it has been classified as a Variant of Uncertain Significance. Algorithms developed to predict the effect of sequence changes on RNA splicing suggest that this variant may create or strengthen a splice site, but this prediction has not been confirmed by published transcriptional studies. This variant has not been reported in the literature in individuals with CDH1-related conditions. This variant is present in population databases (rs777904889, ExAC 0.002%). This sequence change falls in intron 13 of the CDH1 gene. It does not directly change the encoded amino acid sequence of the CDH1 protein.